The following is an entry in ClinVar:

NM_000130.5(F5):c.5789-1G>A

Gene: F5 (coagulation factor V; minus strand). Cytogenetic location: 1q24.2.
Variant type: single nucleotide variant.
Coding change: c.5789-1G>A on transcript NM_000130.5 (MANE Select); the canonical splice acceptor site of the intron before coding-DNA position 5789, G replaced by A.
Molecular consequence: splice acceptor variant.
Genome position (GRCh38, 1-based): chr1:169,523,905, C>T on the plus strand (G>A on the coding strand, the complement: F5 is on the minus strand). VCF-style: chr1-169523905-C-T. GRCh37 (hg19) VCF-style: chr1-169493143-C-T.
Identifiers: ClinVar variation 2893453 (VCV002893453.3), dbSNP rs1471977901, ClinGen allele CA343123544.

ClinVar aggregate classification (germline): Likely pathogenic (1 of 4 stars; one submission).

Conditions:
Congenital factor V deficiency. Also called: LABILE FACTOR DEFICIENCY; Hereditary factor V deficiency disease; OWREN PARAHEMOPHILIA; PARAHEMOPHILIA. Identifiers: Orphanet 326, MedGen C0015499, MONDO:0009210, OMIM 227400.

Submission:

Labcorp Genetics (formerly Invitae), Labcorp
Classification: Likely pathogenic for Congenital factor V deficiency. Last evaluated: 2023-09-03. Review status: criteria provided, single submitter. Criteria: Invitae Variant Classification Sherloc (09022015). Collection method: clinical testing. Allele origin: germline.
Comment: Algorithms developed to predict the effect of sequence changes on RNA splicing suggest that this variant may disrupt the consensus splice site. In summary, the currently available evidence indicates that the variant is pathogenic, but additional data are needed to prove that conclusively. Therefore, this variant has been classified as Likely Pathogenic. This variant has not been reported in the literature in individuals affected with F5-related conditions. This sequence change affects an acceptor splice site in intron 19 of the F5 gene. It is expected to disrupt RNA splicing. Variants that disrupt the donor or acceptor splice site typically lead to a loss of protein function (PMID: 16199547), and loss-of-function variants in F5 are known to be pathogenic (PMID: 30924984). This variant is present in population databases (no rsID available, gnomAD 0.0009%).

Literature cited by the submitters: PubMed 16199547; PubMed 30924984.